The following is an entry in ClinVar:

NM_153741.2(DPM3):c.218A>C (p.Glu73Ala)

Gene: DPM3 (dolichyl-phosphate mannosyltransferase subunit 3, regulatory; minus strand). Cytogenetic location: 1q22.
Variant type: single nucleotide variant.
Coding change: c.218A>C on transcript NM_153741.2 (MANE Select); coding-DNA position 218, A replaced by C.
Protein change: p.Glu73Ala; replaces glutamic acid 73 with alanine.
Molecular consequence: missense variant.
Genome position (GRCh38, 1-based): chr1:155,140,023, T>G on the plus strand (A>C on the coding strand, the complement: DPM3 is on the minus strand). VCF-style: chr1-155140023-T-G. GRCh37 (hg19) VCF-style: chr1-155112499-T-G.
Other names: c.308A>C, p.Glu103Ala (NM_018973.4); short protein forms E73A, E103A.
Identifiers: ClinVar variation 582811 (VCV000582811.16), dbSNP rs745807155, ClinGen allele CA1138409.

ClinVar aggregate classification (germline): Uncertain significance. Review status: criteria provided, multiple submitters, no conflicts (2 of 4 stars). 2 submissions from 2 submitters: Uncertain significance (2). Last evaluated 2025-05-28.

Conditions:
DPM3-congenital disorder of glycosylation (MDDGC15). Also called: DPM3-CDG; CDG Io; CDG1(DPM3); MUSCULAR DYSTROPHY-DYSTROGLYCANOPATHY (LIMB-GIRDLE), TYPE C, 15. Identifiers: Orphanet 263494, MedGen C2752007, MONDO:0013049, OMIM 612937.

Allele frequency attached by ClinVar (database versions not stated): gnomAD 0.00001; TOPMed 0.00003; ExAC 0.00006; gnomAD exomes 0.00007 and 0.00008.

Submissions (2):

Ambry Genetics
Classification: Uncertain significance. Last evaluated: 2025-05-28. Review status: criteria provided, single submitter. Criteria: Ambry Variant Classification Scheme 2023. Collection method: clinical testing. Allele origin: germline.

Labcorp Genetics (formerly Invitae), Labcorp
Classification: Uncertain significance for DPM3-congenital disorder of glycosylation. Last evaluated: 2024-05-06. Review status: criteria provided, single submitter. Criteria: Invitae Variant Classification Sherloc (09022015). Collection method: clinical testing. Allele origin: germline.
Comment: This sequence change replaces glutamic acid, which is acidic and polar, with alanine, which is neutral and non-polar, at codon 73 of the DPM3 protein (p.Glu73Ala). This variant is present in population databases (rs745807155, gnomAD 0.01%). This variant has not been reported in the literature in individuals affected with DPM3-related conditions. ClinVar contains an entry for this variant (Variation ID: 582811). An algorithm developed to predict the effect of missense changes on protein structure and function (PolyPhen-2) suggests that this variant is likely to be disruptive. In summary, the available evidence is currently insufficient to determine the role of this variant in disease. Therefore, it has been classified as a Variant of Uncertain Significance.